The following is an entry in ClinVar:

ClinVar aggregate classification (germline): Uncertain significance (1 of 4 stars; one submission).

Conditions:
Short-rib thoracic dysplasia 6 with or without polydactyly (SRTD6). Also called: SHORT-RIB THORACIC DYSPLASIA 6 WITH POLYDACTYLY; SHORT-RIB THORACIC DYSPLASIA 6 WITHOUT POLYDACTYLY; Majewski Syndrome; SHORT RIB-POLYDACTYLY SYNDROME, TYPE IIA; POLYDACTYLY WITH NEONATAL CHONDRODYSTROPHY, TYPE II. Identifiers: MedGen C0024507, MONDO:0009894, OMIM 263520.

Allele frequency attached by ClinVar (database versions not stated): ExAC 0.00001; gnomAD 0.00002; gnomAD exomes 0.00002; TOPMed 0.00002; 1000 Genomes Project 30x 0.00016; 1000 Genomes Project 0.00020.
gnomAD v4.1: 24 of 1,607,340 alleles (0.0015%); highest among the groups gnomAD compares: Non-Finnish European, 0.0019%; no homozygotes.

Submission:

Labcorp Genetics (formerly Invitae), Labcorp
Classification: Uncertain significance for Short-rib thoracic dysplasia 6 with or without polydactyly. Last evaluated: 2025-12-25. Review status: criteria provided, single submitter. Criteria: Invitae Variant Classification Sherloc (09022015). Collection method: clinical testing. Allele origin: germline.
Comment: This sequence change falls in intron 28 of the NEK1 gene. It does not directly change the encoded amino acid sequence of the NEK1 protein. It affects a nucleotide within the consensus splice site. This variant is present in population databases (rs185707378, gnomAD 0.003%). This variant has not been reported in the literature in individuals affected with NEK1-related conditions. ClinVar contains an entry for this variant (Variation ID: 2890695). Variants that disrupt the consensus splice site are a relatively common cause of aberrant splicing (PMID: 17576681, 9536098). Algorithms developed to predict the effect of sequence changes on RNA splicing suggest that this variant is not likely to affect RNA splicing. In summary, the available evidence is currently insufficient to determine the role of this variant in disease. Therefore, it has been classified as a Variant of Uncertain Significance.

Literature cited by the submitters: PubMed 17576681; PubMed 9536098.

NM_001199397.3(NEK1):c.2974+5G>A

Gene: NEK1 (NIMA related kinase 1; minus strand). Cytogenetic location: 4q33.
Variant type: single nucleotide variant.
Coding change: c.2974+5G>A on transcript NM_001199397.3 (MANE Select); 5 bases into the intron after coding-DNA position 2974, G replaced by A.
Molecular consequence: intron variant.
Genome position (GRCh38, 1-based): chr4:169,426,141, C>T on the plus strand (G>A on the coding strand, the complement: NEK1 is on the minus strand). VCF-style: chr4-169426141-C-T. GRCh37 (hg19) VCF-style: chr4-170347292-C-T.
Other names: c.2491+5G>A (NM_001374421.1); c.2839+5G>A (NM_001374420.1); c.2683+5G>A (NM_001199399.3); c.2842+5G>A (NM_001199398.3); c.2890+5G>A (NM_001374419.1, NM_012224.4); c.2758+5G>A (NM_001199400.3); c.2974+5G>A (NM_001374418.1).
Identifiers: ClinVar variation 2890695 (VCV002890695.3), dbSNP rs185707378, ClinGen allele CA3137273.
Genomic context (GRCh38, chr4:169,426,141, plus strand): 5'-CAGGTTGATGTTAATAATCATTAACATCTTCCAGAAAGTAATTAGACTAATGCAATGATG[C>T]TTACCTATATGAATGTCACTAAGTTGGTCCACAGTACTCGAGACTCCATCTTCAGAAACT-3'